The following is an entry in ClinVar:

ClinVar aggregate classification (germline): Uncertain significance. Review status: criteria provided, multiple submitters, no conflicts (2 of 4 stars). 2 submissions from 2 submitters: Uncertain significance (2). Last evaluated 2025-03-25.

Conditions:
Tumor predisposition syndrome 3 (TPDS3). Also called: Glioma susceptibility 9; LONG TELOMERE SYNDROME, POT1-RELATED; POT1 Tumor Predisposition; Melanoma, cutaneous malignant, susceptibility to, 10. Identifiers: Orphanet 618, MedGen C4014476, MONDO:0014368, OMIM 615848.
Hereditary cancer-predisposing syndrome. Also called: Neoplastic Syndromes, Hereditary; Hereditary Cancer Syndrome; Hereditary neoplastic syndrome; Tumor predisposition. Identifiers: Orphanet 140162, MedGen C0027672, MeSH D009386, MONDO:0015356.

Submissions (2):

Ambry Genetics
Classification: Uncertain significance for Hereditary cancer-predisposing syndrome. Last evaluated: 2025-03-25. Review status: criteria provided, single submitter. Criteria: Ambry Variant Classification Scheme 2023. Collection method: clinical testing. Allele origin: germline.
Comment: The p.P601T variant (also known as c.1801C>A), located in coding exon 15 of the POT1 gene, results from a C to A substitution at nucleotide position 1801. The proline at codon 601 is replaced by threonine, an amino acid with highly similar properties. This amino acid position is highly conserved in available vertebrate species. In addition, this alteration is predicted to be deleterious by in silico analysis. Based on the available evidence, the clinical significance of this variant remains unclear.

Labcorp Genetics (formerly Invitae), Labcorp
Classification: Uncertain significance for Tumor predisposition syndrome 3. Last evaluated: 2022-09-27. Review status: criteria provided, single submitter. Criteria: Invitae Variant Classification Sherloc (09022015). Collection method: clinical testing. Allele origin: germline.
Comment: This variant is not present in population databases (gnomAD no frequency). This sequence change replaces proline, which is neutral and non-polar, with threonine, which is neutral and polar, at codon 601 of the POT1 protein (p.Pro601Thr). This variant has not been reported in the literature in individuals affected with POT1-related conditions. ClinVar contains an entry for this variant (Variation ID: 1018141). Advanced modeling of protein sequence and biophysical properties (such as structural, functional, and spatial information, amino acid conservation, physicochemical variation, residue mobility, and thermodynamic stability) performed at Invitae indicates that this missense variant is not expected to disrupt POT1 protein function. In summary, the available evidence is currently insufficient to determine the role of this variant in disease. Therefore, it has been classified as a Variant of Uncertain Significance.

NM_015450.3(POT1):c.1801C>A (p.Pro601Thr)

Gene: POT1 (protection of telomeres 1; minus strand). Cytogenetic location: 7q31.33.
Variant type: single nucleotide variant.
Coding change: c.1801C>A on transcript NM_015450.3 (MANE Select); coding-DNA position 1801, C replaced by A.
Protein change: p.Pro601Thr; replaces proline 601 with threonine.
Molecular consequence: missense variant. On other transcripts: non-coding transcript variant (3).
Genome position (GRCh38, 1-based): chr7:124,824,066, G>T on the plus strand (C>A on the coding strand, the complement: POT1 is on the minus strand). VCF-style: chr7-124824066-G-T. GRCh37 (hg19) VCF-style: chr7-124464120-G-T.
Other names: c.1408C>A, p.Pro470Thr (NM_001042594.2); short protein forms P470T, P601T.
Identifiers: ClinVar variation 1018141 (VCV001018141.12), dbSNP rs1584745610, ClinGen allele CA369061328.